The following is an entry in ClinVar:

NM_001377299.1(NDUFS2):c.1321G>A (p.Gly441Arg)

Gene: NDUFS2 (NADH:ubiquinone oxidoreductase core subunit S2; plus strand). Cytogenetic location: 1q23.3.
Variant type: single nucleotide variant.
Coding change: c.1321G>A on transcript NM_001377299.1 (MANE Select); coding-DNA position 1321, G replaced by A.
Protein change: p.Gly441Arg; replaces glycine 441 with arginine.
Molecular consequence: missense variant. On other transcripts: non-coding transcript variant (1).
Genome position (GRCh38, 1-based): chr1:161,213,888, G>A. VCF-style: chr1-161213888-G-A. GRCh37 (hg19) VCF-style: chr1-161183678-G-A.
Other names: c.1321G>A, p.Gly441Arg (NM_001166159.2, NM_001377298.1, NM_001377300.1 and 3 more transcripts); c.1243G>A, p.Gly415Arg (NM_001410889.1); short protein forms G441R, G415R.
Identifiers: ClinVar variation 1987432 (VCV001987432.3), dbSNP rs956428719, ClinGen allele CA31676784.
Genomic context (GRCh38, chr1:161,213,888, plus strand): 5'-TCTTAACTAACATTGTTGCCATCTCAATCTCCCTAGGCTGGTTTGGACAAGATGTCTAAG[G>A]GACACATGTTGGCAGATGTCGTTGCCATCATAGGTACGAGGCCTATTGTGTAGTAGAGGT-3'
Protein context (NP_001364228.1, residues 431-451): HLAGLDKMSK[Gly441Arg]HMLADVVAII

ClinVar aggregate classification (germline): Uncertain significance (1 of 4 stars; one submission).

Allele frequency attached by ClinVar (database versions not stated): gnomAD exomes 0.00001; TOPMed 0.00003; gnomAD 0.00005.
gnomAD v4.1: 15 of 1,614,070 alleles (0.00093%); highest among the groups gnomAD compares: Admixed American, 0.023%; no homozygotes.

Submission:

Labcorp Genetics (formerly Invitae), Labcorp
Classification: Uncertain significance. Last evaluated: 2025-01-06. Review status: criteria provided, single submitter. Criteria: Invitae Variant Classification Sherloc (09022015). Collection method: clinical testing. Allele origin: germline.
Comment: This sequence change replaces glycine, which is neutral and non-polar, with arginine, which is basic and polar, at codon 441 of the NDUFS2 protein (p.Gly441Arg). This variant is present in population databases (no rsID available, gnomAD 0.02%). This variant has not been reported in the literature in individuals affected with NDUFS2-related conditions. ClinVar contains an entry for this variant (Variation ID: 1987432). Invitae Evidence Modeling of protein sequence and biophysical properties (such as structural, functional, and spatial information, amino acid conservation, physicochemical variation, residue mobility, and thermodynamic stability) indicates that this missense variant is not expected to disrupt NDUFS2 protein function with a negative predictive value of 80%. In summary, the available evidence is currently insufficient to determine the role of this variant in disease. Therefore, it has been classified as a Variant of Uncertain Significance.